The following is an entry in ClinVar:

NM_006904.7(PRKDC):c.7812G>A (p.Pro2604=)

Gene: PRKDC (protein kinase, DNA-activated, catalytic subunit; minus strand). Cytogenetic location: 8q11.21.
Variant type: single nucleotide variant.
Coding change: c.7812G>A on transcript NM_006904.7 (MANE Select); coding-DNA position 7812, G replaced by A.
Protein change: p.Pro2604=; no amino-acid change (proline 2604 retained).
Molecular consequence: synonymous variant.
Genome position (GRCh38, 1-based): chr8:47,836,477, C>T on the plus strand (G>A on the coding strand, the complement: PRKDC is on the minus strand). VCF-style: chr8-47836477-C-T. GRCh37 (hg19) VCF-style: chr8-48749038-C-T.
Other names: c.7812G>A, p.Pro2604= (NM_001081640.2).
Identifiers: ClinVar variation 1548626 (VCV001548626.8), dbSNP rs763035246, ClinGen allele CA4740008.

ClinVar aggregate classification (germline): Conflicting classifications of pathogenicity. Review status: criteria provided, conflicting classifications (1 of 4 stars). 2 submissions from 2 submitters: Uncertain significance (1); Likely benign (1). Last evaluated 2024-02-17.

Conditions:
Severe combined immunodeficiency due to DNA-PKcs deficiency. Also called: IMMUNODEFICIENCY 26 WITH NEUROLOGIC ABNORMALITIES; Immunodeficiency 26 with or without neurologic abnormalities. Identifiers: Orphanet 317425, MedGen C4014833, MONDO:0014423, OMIM 615966.

Allele frequency attached by ClinVar (database versions not stated): gnomAD 0.00001; gnomAD exomes 0.00001 and 0.00002; ExAC 0.00002; TOPMed 0.00002.
gnomAD v4.1: 13 of 1,610,774 alleles (0.00081%); highest among the groups gnomAD compares: Admixed American, 0.0017%; no homozygotes.

Submissions (2):

Labcorp Genetics (formerly Invitae), Labcorp
Classification: Likely benign for Severe combined immunodeficiency due to DNA-PKcs deficiency. Last evaluated: 2024-02-17. Review status: criteria provided, single submitter. Criteria: Invitae Variant Classification Sherloc (09022015). Collection method: clinical testing. Allele origin: germline.

Center for Genomics, Ann and Robert H. Lurie Children's Hospital of Chicago
Classification: Uncertain significance for Severe combined immunodeficiency due to DNA-PKcs deficiency. Last evaluated: 2022-01-27. Review status: criteria provided, single submitter. Criteria: ACMG Guidelines, 2015. Collection method: clinical testing. Allele origin: germline.
Comment: PRKDC NM_006904.6 exon 58 p.Pro2604= (c.7812G>A): This variant has not been reported in the literature but is present in 0.05% (2/3468) of Ashkenazi Jewish alleles in the Genome Aggregation Database. Evolutionary conservation and computational predictive tools for this variant are limited or unavailable. Of note, this variant is a silent variant and does not change the amino acid, reducing the probability that this variant is disease causing. In summary, data on this variant is insufficient for disease classification. Therefore, the clinical significance of this variant is uncertain.